The following is an entry in ClinVar:

ClinVar aggregate classification (germline): Likely pathogenic. Review status: criteria provided, single submitter (1 of 4 stars). 2 submissions from 2 submitters: Likely pathogenic (1). 1 of the submissions does not count toward it. Last evaluated 2023-10-29.

Conditions:
Charcot-Marie-Tooth disease X-linked dominant 1. Also called: Charcot-Marie-Tooth Neuropathy X Type 1; X-linked Charcot-Marie-Tooth disease type 1; GJB1 Disorders: Charcot-Marie-Tooth Neuropathy (CMT1X) and Central Nervous System Phenotypes; CHARCOT-MARIE-TOOTH NEUROPATHY, X-LINKED, 1; CHARCOT-MARIE-TOOTH PERONEAL MUSCULAR ATROPHY, X-LINKED; HEREDITARY MOTOR AND SENSORY NEUROPATHY, X-LINKED. Identifiers: Orphanet 101075, MedGen C0393808, MONDO:0010549, OMIM 302800.
Charcot-Marie-Tooth disease. Also called: Charcot-Marie-Tooth Hereditary Neuropathy; Charcot-Marie-Tooth Neuropathy. Identifiers: Orphanet 166, MedGen C0007959, MONDO:0015626.

Submissions (2):

Concord Molecular Medicine Laboratory, Concord Repatriation General Hospital
Classification: Likely pathogenic for Charcot-Marie-Tooth disease X-linked dominant 1. Last evaluated: 2023-10-29. Review status: criteria provided, single submitter. Criteria: ACMG Guidelines, 2015. Collection method: clinical testing. Allele origin: germline. Inheritance: X-linked dominant inheritance. Affected: yes.
Comment: The c.592T>G missense substitution predicts an amino acid change from serine to alanine in position 198 in the GJB1 protein, p.(Ser198Ala). Another missense variant at the same protein position has been reported as pathogenic (PMID: 9361298). In silico analysis suggests this variant to be damaging (REVEL: 0.8). It is absent in control population (gnomAD).The current evidence allows a classification of the variant as “likely pathogenic” (ACMG criteria: PP1_moderate, PM5, PP3_moderate, PM2_supporting, PM3_supporting).

Inherited Neuropathy Consortium
Classification: Uncertain significance for Charcot-Marie-Tooth disease. Review status: no assertion criteria provided. Collection method: literature only. Allele origin: germline. Affected: yes. Not counted in ClinVar's aggregate classification.

Literature cited by the submitters: PubMed 19259128 (cited by Concord Molecular Medicine Laboratory, Concord Repatriation General Hospital and Inherited Neuropathy Consortium).

NM_000166.6(GJB1):c.592T>G (p.Ser198Ala)

Gene: GJB1 (gap junction protein beta 1; plus strand). Cytogenetic location: Xq13.1.
Variant type: single nucleotide variant.
Coding change: c.592T>G on transcript NM_000166.6 (MANE Select); coding-DNA position 592, T replaced by G.
Protein change: p.Ser198Ala; replaces serine 198 with alanine.
Molecular consequence: missense variant.
Genome position (GRCh38, 1-based): chrX:71,224,299, T>G. VCF-style: chrX-71224299-T-G. GRCh37 (hg19) VCF-style: chrX-70444149-T-G.
Other names: c.592T>G, p.Ser198Ala (NM_001097642.3); short protein forms S198A.
Identifiers: ClinVar variation 637645 (VCV000637645.1), dbSNP rs1555937259, ClinGen allele CA413503249.
Genomic context (GRCh38, chrX:71,224,299, plus strand): 5'-GACTGCTTCGTGTCCCGCCCCACCGAGAAAACCGTCTTCACCGTCTTCATGCTAGCTGCC[T>G]CTGGCATCTGCATCATCCTCAATGTGGCCGAGGTGGTGTACCTCATCATCCGGGCCTGTG-3'
Protein context (NP_000157.1, residues 188-208): TVFTVFMLAA[Ser198Ala]GICIILNVAE